The following is an entry in ClinVar:

ClinVar aggregate classification (germline): Uncertain significance (1 of 4 stars; one submission).

Conditions:
Cardiovascular phenotype. Identifiers: MedGen CN230736.

Submission:

Ambry Genetics
Classification: Uncertain significance for Cardiovascular phenotype. Last evaluated: 2025-11-24. Review status: criteria provided, single submitter. Criteria: Ambry Variant Classification Scheme 2023. Collection method: clinical testing. Allele origin: germline.
Comment: The p.N237K variant (also known as c.711T>G), located in coding exon 6 of the DSC2 gene, results from a T to G substitution at nucleotide position 711. The asparagine at codon 237 is replaced by lysine, an amino acid with similar properties. This amino acid position is conserved. In addition, this alteration is predicted to be tolerated by in silico analysis. Based on the available evidence, the clinical significance of this variant remains unclear.

NM_024422.6(DSC2):c.711T>G (p.Asn237Lys)

Gene: DSC2 (desmocollin 2; minus strand). Cytogenetic location: 18q12.1.
Variant type: single nucleotide variant.
Coding change: c.711T>G on transcript NM_024422.6 (MANE Select); coding-DNA position 711, T replaced by G.
Protein change: p.Asn237Lys; replaces asparagine 237 with lysine.
Molecular consequence: missense variant.
Genome position (GRCh38, 1-based): chr18:31,087,733, A>C on the plus strand (T>G on the coding strand, the complement: DSC2 is on the minus strand). VCF-style: chr18-31087733-A-C. GRCh37 (hg19) VCF-style: chr18-28667696-A-C.
Other names: c.282T>G, p.Asn94Lys (NM_001406506.1, NM_001406507.1); c.711T>G, p.Asn237Lys (NM_004949.5); short protein forms N94K, N237K.
Identifiers: ClinVar variation 4614000 (VCV004614000.1).
Genomic context (GRCh38, chr18:31,087,733, plus strand): 5'-TCTGCAATTTTCAAAAATTGTAAAAGTATAAGTTTCTTCTGTAAAAATTGGGTAGTTATC[A>C]TTTTCATCCTCTATTTTGATTATTAGGGGCAGTGGAAGTTCTGGAGTATACCCATCTGGA-3'
Protein context (NP_077740.1, residues 227-247): LPLIIKIEDE[Asn237Lys]DNYPIFTEET